The following is an entry in ClinVar:

NM_172341.4(PSENEN):c.137C>A (p.Ala46Asp)

Gene: PSENEN (presenilin enhancer, gamma-secretase subunit; plus strand). Cytogenetic location: 19q13.12.
Variant type: single nucleotide variant.
Coding change: c.137C>A on transcript NM_172341.4 (MANE Select); coding-DNA position 137, C replaced by A.
Protein change: p.Ala46Asp; replaces alanine 46 with aspartic acid.
Molecular consequence: missense variant.
Genome position (GRCh38, 1-based): chr19:35,746,494, C>A. VCF-style: chr19-35746494-C-A. GRCh37 (hg19) VCF-style: chr19-36237395-C-A.
Other names: c.137C>A, p.Ala46Asp (NM_001281532.3); c.137C>A (NM_172341.1); short protein forms A46D.
Identifiers: ClinVar variation 1478265 (VCV001478265.9), dbSNP rs749446715, ClinGen allele CA9387024.
Genomic context (GRCh38, chr19:35,746,494, plus strand): 5'-TGCCTTTTCTCTGGTTGGTCAACATCTTCTGGTTCTTCCGAGAGGCCTTCCTTGTCCCAG[C>A]CTACACAGAACAGAGCCAAATCAAAGGCTGTGAGTCTAGAGCACAGAGGAGGGAGGCCAG-3'
Protein context (NP_758844.1, residues 36-56): WFFREAFLVP[Ala46Asp]YTEQSQIKGY

ClinVar aggregate classification (germline): Uncertain significance. Review status: criteria provided, multiple submitters, no conflicts (2 of 4 stars). 2 submissions from 2 submitters: Uncertain significance (2). Last evaluated 2025-04-02.

Allele frequency attached by ClinVar (database versions not stated): TOPMed 0.00001; ExAC 0.00002; gnomAD exomes 0.00002.
gnomAD v4.1: 31 of 1,613,858 alleles (0.0019%); highest among the groups gnomAD compares: East Asian, 0.065%; no homozygotes.

Submissions (2):

Ambry Genetics
Classification: Uncertain significance. Last evaluated: 2025-04-02. Review status: criteria provided, single submitter. Criteria: Ambry Variant Classification Scheme 2023. Collection method: clinical testing. Allele origin: germline.

Labcorp Genetics (formerly Invitae), Labcorp
Classification: Uncertain significance. Last evaluated: 2021-01-18. Review status: criteria provided, single submitter. Criteria: Invitae Variant Classification Sherloc (09022015). Collection method: clinical testing. Allele origin: germline.
Comment: This variant has not been reported in the literature in individuals with PSENEN-related conditions. In summary, the available evidence is currently insufficient to determine the role of this variant in disease. Therefore, it has been classified as a Variant of Uncertain Significance. Algorithms developed to predict the effect of missense changes on protein structure and function (SIFT, PolyPhen-2, Align-GVGD) all suggest that this variant is likely to be tolerated, but these predictions have not been confirmed by published functional studies and their clinical significance is uncertain. This variant is present in population databases (rs749446715, ExAC 0.02%). This sequence change replaces alanine with aspartic acid at codon 46 of the PSENEN protein (p.Ala46Asp). The alanine residue is moderately conserved and there is a moderate physicochemical difference between alanine and aspartic acid.